The following is an entry in ClinVar:

NM_000435.3(NOTCH3):c.6536C>T (p.Ala2179Val)

Gene: NOTCH3 (notch receptor 3; minus strand). Cytogenetic location: 19p13.12.
Variant type: single nucleotide variant.
Coding change: c.6536C>T on transcript NM_000435.3 (MANE Select); coding-DNA position 6536, C replaced by T.
Protein change: p.Ala2179Val; replaces alanine 2179 with valine.
Molecular consequence: missense variant.
Genome position (GRCh38, 1-based): chr19:15,161,092, G>A on the plus strand (C>T on the coding strand, the complement: NOTCH3 is on the minus strand). VCF-style: chr19-15161092-G-A. GRCh37 (hg19) VCF-style: chr19-15271903-G-A.
Other names: short protein forms A2179V.
Identifiers: ClinVar variation 1975666 (VCV001975666.5), dbSNP rs763368057, ClinGen allele CA9262358.

ClinVar aggregate classification (germline): Uncertain significance (1 of 4 stars; one submission).

Submission:

Labcorp Genetics (formerly Invitae), Labcorp
Classification: Uncertain significance. Last evaluated: 2023-07-04. Review status: criteria provided, single submitter. Criteria: Invitae Variant Classification Sherloc (09022015). Collection method: clinical testing. Allele origin: germline.
Comment: In summary, the available evidence is currently insufficient to determine the role of this variant in disease. Therefore, it has been classified as a Variant of Uncertain Significance. Advanced modeling of protein sequence and biophysical properties (such as structural, functional, and spatial information, amino acid conservation, physicochemical variation, residue mobility, and thermodynamic stability) performed at Invitae indicates that this missense variant is not expected to disrupt NOTCH3 protein function. ClinVar contains an entry for this variant (Variation ID: 1975666). This variant has not been reported in the literature in individuals affected with NOTCH3-related conditions. This variant is not present in population databases (gnomAD no frequency). This sequence change replaces alanine, which is neutral and non-polar, with valine, which is neutral and non-polar, at codon 2179 of the NOTCH3 protein (p.Ala2179Val).